The following is an entry in ClinVar:

ClinVar aggregate classification (germline): Likely benign. Review status: criteria provided, multiple submitters, no conflicts (2 of 4 stars). 3 submissions from 3 submitters: Likely benign (3). Last evaluated 2026-06-01.

Allele frequency attached by ClinVar (database versions not stated): gnomAD 0.00007 and 0.00008; TOPMed 0.00009; ESP Exome Variant Server 0.00015; 1000 Genomes Project 30x 0.00016; 1000 Genomes Project 0.00020.
gnomAD v4.1: 111 of 1,612,958 alleles (0.0069%); highest among the groups gnomAD compares: Middle Eastern, 0.053%; no homozygotes.

Submissions (3):

CeGaT Center for Human Genetics Tuebingen
Classification: Likely benign. Last evaluated: 2026-06-01. Review status: criteria provided, single submitter. Criteria: CeGaT Center For Human Genetics Tuebingen Variant Classification Criteria Version 2. Collection method: clinical testing. Allele origin: germline. Affected: yes. Observed: 1 variant allele.
Comment: ACAD9: BP4, BP7

Labcorp Genetics (formerly Invitae), Labcorp
Classification: Likely benign. Last evaluated: 2025-12-24. Review status: criteria provided, single submitter. Criteria: Invitae Variant Classification Sherloc (09022015). Collection method: clinical testing. Allele origin: germline.

GeneDx
Classification: Likely benign. Last evaluated: 2020-01-14. Review status: criteria provided, single submitter. Criteria: GeneDx Variant Classification Process June 2021. Collection method: clinical testing. Allele origin: germline. Affected: yes.

NM_014049.5(ACAD9):c.30C>T (p.Thr10=)

Gene: ACAD9 (acyl-CoA dehydrogenase family member 9; plus strand). Cytogenetic location: 3q21.3.
Variant type: single nucleotide variant.
Coding change: c.30C>T on transcript NM_014049.5 (MANE Select); coding-DNA position 30, C replaced by T.
Protein change: p.Thr10=; no amino-acid change (threonine 10 retained).
Molecular consequence: synonymous variant. On other transcripts: non-coding transcript variant (1).
Genome position (GRCh38, 1-based): chr3:128,879,721, C>T. VCF-style: chr3-128879721-C-T. GRCh37 (hg19) VCF-style: chr3-128598564-C-T.
Identifiers: ClinVar variation 392932 (VCV000392932.16), dbSNP rs371199008, ClinGen allele CA2601001.